The following is an entry in ClinVar:

NM_014994.3(MAPKBP1):c.280A>G (p.Thr94Ala)

Gene: MAPKBP1 (mitogen-activated protein kinase binding protein 1; plus strand). Cytogenetic location: 15q15.1.
Variant type: single nucleotide variant.
Coding change: c.280A>G on transcript NM_014994.3 (MANE Select); coding-DNA position 280, A replaced by G.
Protein change: p.Thr94Ala; replaces threonine 94 with alanine.
Molecular consequence: missense variant. On other transcripts: non-coding transcript variant (2).
Genome position (GRCh38, 1-based): chr15:41,811,188, A>G. VCF-style: chr15-41811188-A-G. GRCh37 (hg19) VCF-style: chr15-42103386-A-G.
Other names: c.280A>G, p.Thr94Ala (NM_001128608.2, NM_001265611.2); short protein forms T94A.
Identifiers: ClinVar variation 4730058 (VCV004730058.1).

ClinVar aggregate classification (germline): Uncertain significance (1 of 4 stars; one submission).

Submission:

Labcorp Genetics (formerly Invitae), Labcorp
Classification: Uncertain significance. Last evaluated: 2025-11-02. Review status: criteria provided, single submitter. Criteria: Invitae Variant Classification Sherloc (09022015). Collection method: clinical testing. Allele origin: germline.
Comment: This sequence change replaces threonine, which is neutral and polar, with alanine, which is neutral and non-polar, at codon 94 of the MAPKBP1 protein (p.Thr94Ala). This variant is not present in population databases (gnomAD no frequency). This variant has not been reported in the literature in individuals affected with MAPKBP1-related conditions. An algorithm developed to predict the effect of missense changes on protein structure and function (PolyPhen-2) suggests that this variant is likely to be disruptive. In summary, the available evidence is currently insufficient to determine the role of this variant in disease. Therefore, it has been classified as a Variant of Uncertain Significance.